The following is an entry in ClinVar:

NM_007194.4(CHEK2):c.1567C>T (p.Arg523Cys)

Gene: CHEK2 (checkpoint kinase 2; minus strand). Cytogenetic location: 22q12.1.
Variant type: single nucleotide variant.
Coding change: c.1567C>T on transcript NM_007194.4 (MANE Select); coding-DNA position 1567, C replaced by T.
Protein change: p.Arg523Cys; replaces arginine 523 with cysteine.
Molecular consequence: missense variant.
Genome position (GRCh38, 1-based): chr22:28,687,962, G>A on the plus strand (C>T on the coding strand, the complement: CHEK2 is on the minus strand). VCF-style: chr22-28687962-G-A. GRCh37 (hg19) VCF-style: chr22-29083950-G-A.
Other names: p.R523C:CGT>TGT; c.1696C>T, p.Arg566Cys (NM_001005735.3); c.904C>T, p.Arg302Cys (NM_001257387.3); c.1366C>T, p.Arg456Cys (NM_001349956.3); c.1480C>T, p.Arg494Cys (NM_145862.3); short protein forms R523C, R456C, R302C, R494C, R566C.
Identifiers: ClinVar variation 141007 (VCV000141007.39), dbSNP rs149501505, ClinGen allele CA294024.

ClinVar aggregate classification (germline): Conflicting classifications of pathogenicity. Review status: criteria provided, conflicting classifications (1 of 4 stars). 14 submissions from 14 submitters: Uncertain significance (11); Likely benign (2). 1 of the submissions does not count toward it. Last evaluated 2026-01-06.

Conditions:
CHEK2-related disorder.
CHEK2-related cancer predisposition (TPDS4). Also called: TUMOR PREDISPOSITION SYNDROME 4; CANCER PREDISPOSITION SYNDROME, CHEK2-RELATED; CHEK2-related cancer susceptibility. Identifiers: Orphanet 524, MedGen C5882668, MONDO:0700271, OMIM 609265.
Bone osteosarcoma. Also called: Osteosarcoma, somatic. Identifiers: Orphanet 668, MedGen C0585442, MONDO:0002629, OMIM 259500.
Familial prostate cancer. Also called: Hereditary Prostate Cancer. Identifiers: MedGen C2931456, MONDO:0700275, OMIM 176807.
Breast and/or ovarian cancer. Identifiers: MedGen CN221562.
Hereditary cancer-predisposing syndrome. Also called: Neoplastic Syndromes, Hereditary; Hereditary neoplastic syndrome; Hereditary Cancer Syndrome; Tumor predisposition. Identifiers: Orphanet 140162, MedGen C0027672, MeSH D009386, MONDO:0015356.
Familial cancer of breast. Also called: BREAST CANCER, FAMILIAL; hereditary breast carcinoma; Hereditary breast cancer. Identifiers: Orphanet 227535, MedGen C0346153, MONDO:0016419, OMIM 114480. Disease mechanism: loss of function.

Allele frequency attached by ClinVar (database versions not stated): TOPMed 0.00002; ExAC 0.00003; gnomAD 0.00003; gnomAD exomes 0.00003; ESP Exome Variant Server 0.00014; 1000 Genomes Project 30x 0.00016.
gnomAD v4.1: 47 of 1,596,142 alleles (0.0029%); highest among the groups gnomAD compares: African/African-American, 0.0053%; no homozygotes.

Submissions 1 to 10 of 14:

Labcorp Genetics (formerly Invitae), Labcorp
Classification: Uncertain significance for Familial cancer of breast. Last evaluated: 2026-01-06. Review status: criteria provided, single submitter. Criteria: Invitae Variant Classification Sherloc (09022015). Collection method: clinical testing. Allele origin: germline.
Comment: This sequence change replaces arginine, which is basic and polar, with cysteine, which is neutral and slightly polar, at codon 523 of the CHEK2 protein (p.Arg523Cys). The frequency data for this variant in the population databases is considered unreliable, as metrics indicate poor data quality at this position in the gnomAD database. This missense change has been observed in individual(s) with prostate cancer and/or suspected Lynch syndrome and breast and/or cervical cancer (PMID: 25980754, 28503720, 30287823, 32832836). ClinVar contains an entry for this variant (Variation ID: 141007). An algorithm developed to predict the effect of missense changes on protein structure and function (PolyPhen-2) suggests that this variant is likely to be tolerated. Experimental studies have shown that this missense change does not substantially affect CHEK2 function (PMID: 30851065, 37449874). In summary, the available evidence is currently insufficient to determine the role of this variant in disease. Therefore, it has been classified as a Variant of Uncertain Significance.

PreventionGenetics, part of Exact Sciences
Classification: Uncertain significance for CHEK2-related condition. Last evaluated: 2025-06-22. Review status: criteria provided, single submitter. Criteria: ACMG Guidelines, 2015. Collection method: clinical testing. Allele origin: germline.
Comment: The CHEK2 c.1567C>T variant is predicted to result in the amino acid substitution p.Arg523Cys. This variant has been reported in both controls and affected individuals in suspected Lynch syndrome, breast and/or ovarian, and prostate cancer cohorts (Table S2, Yurgelun et al. 2015. PubMed ID: 25980754; Supplementary Data 1, Momozawa et al. 2018. PubMed ID: 30287823; Breast Cancer Association et al. 2021. PubMed ID: 33471991; Matejcic et al. 2020. PubMed ID: 32832836). This variant was also observed to co-occur with a pathogenic BRCA2 variant in an individual with breast cancer (Rummel et al. 2017. PubMed ID: 28503720). A yeast-based functional study showed that this variant does not affect protein function (Delimitsou et al. 2019. PubMed ID: 30851065). This variant is reported in 0.0086% of alleles in individuals of African descent in gnomAD and is interpreted as a variant of uncertain significance in ClinVar. At this time, the clinical significance of this variant is uncertain due to the absence of conclusive functional and genetic evidence.

Myriad Genetics, Inc.
Classification: Likely benign for Familial cancer of breast. Last evaluated: 2025-04-28. Review status: criteria provided, single submitter. Criteria: Myriad Autosomal Dominant, Autosomal Recessive and X-Linked Classification Criteria (2023). Collection method: clinical testing. Allele origin: unknown.
Comment: This variant is considered likely benign. This variant is strongly associated with less severe personal and family histories of cancer, typical for individuals without pathogenic variants in this gene [PMID: 25085752].

Ambry Genetics
Classification: Likely benign for Hereditary cancer-predisposing syndrome. Last evaluated: 2025-03-18. Review status: criteria provided, single submitter. Criteria: Ambry Variant Classification Scheme 2023. Collection method: clinical testing. Allele origin: germline.

Molecular Pathology, Peter Maccallum Cancer Centre
Classification: Uncertain significance for Familial cancer of breast. Last evaluated: 2024-10-21. Review status: criteria provided, single submitter. Criteria: ACMG Guidelines, 2015. Collection method: clinical testing. Allele origin: germline. Inheritance: Autosomal dominant inheritance.

Color Diagnostics, LLC DBA Color Health
Classification: Uncertain significance for Hereditary cancer-predisposing syndrome. Last evaluated: 2024-09-03. Review status: criteria provided, single submitter. Criteria: ACMG Guidelines, 2015. Collection method: clinical testing. Allele origin: germline.
Comment: This missense variant replaces arginine with cysteine at codon 523 of the CHEK2 protein. Computational prediction suggests that this variant may not impact protein structure and function. Functional studies have demonstrated a neutral impact of this variant in DNA repair assays (PMID: 30851065). This variant has been reported in individuals affected with breast cancer, but also in unaffected individuals (PMID: 28503720, 30287823, 32906215, 33471991). This variant has been identified in 9/264762 chromosomes in the general population by the Genome Aggregation Database (gnomAD). The available evidence is insufficient to determine the role of this variant in disease conclusively. Therefore, this variant is classified as a Variant of Uncertain Significance.

Fulgent Genetics
Classification: Uncertain significance for Familial prostate cancer; Bone osteosarcoma; CHEK2-related cancer predisposition. Last evaluated: 2024-05-22. Review status: criteria provided, single submitter. Criteria: ACMG Guidelines, 2015. Collection method: clinical testing. Allele origin: germline.

Quest Diagnostics Nichols Institute San Juan Capistrano
Classification: Uncertain significance. Last evaluated: 2024-03-11. Review status: criteria provided, single submitter. Criteria: Quest Diagnostics criteria. Collection method: clinical testing. Allele origin: unknown.
Comment: The CHEK2 c.1567C>T (p.Arg523Cys) variant has been detected in the published literature in individuals with Lynch syndrome (PMID: 25980754 (2015)), hereditary cancer (PMID: 32906215 (2018)), breast cancer (PMIDs: 30287823 (2020), 33471991 (2021), and 37449874 (2023), see also LOVD), and in reportedly healthy individuals (PMIDs: 33471991 (2021) and 37449874 (2023), see also LOVD). In addition, published functional studies showed that this variant has similar function to the wildtype, however further studies are needed to determine the global effect of this variant on CHEK2 protein activity (PMIDs: 30851065 (2019) and 37449874 (2023)). The frequency of this variant in the general population, 0.000032 (4/123988 chromosomes (Genome Aggregation Database)), is uninformative in the assessment of its pathogenicity. Analysis of this variant using bioinformatics tools for the prediction of the effect of amino acid changes on protein structure and function yielded predictions that this variant is benign. Based on the available information, we are unable to determine the clinical significance of this variant.

GeneDx
Classification: Uncertain significance. Last evaluated: 2024-01-18. Review status: criteria provided, single submitter. Criteria: GeneDx Variant Classification Process June 2021. Collection method: clinical testing. Allele origin: germline. Affected: yes.
Comment: Observed in patients with breast or prostate cancer, co-occurring with a BRCA2 pathogenic variant in at least one individual (PMID: 28503720, 30287823, 30851065, 32832836, 33471991); Published functional studies suggest no damaging effect: DNA damage response and cell growth similar to wild type in a yeast-based assay (PMID: 30851065); Not observed at significant frequency in large population cohorts (gnomAD); In silico analysis supports that this missense variant does not alter protein structure/function; Also known as c.1696C>T; p.(R566C); This variant is associated with the following publications: (PMID: 25980754, 30851065, 29866652, 30287823, 31398194, 32906215, 33471991, 28503720, Vazquez-Juarez2022[abstract], 32832836, 37031196, 24123366, 31874108, 35643632)

CHEO Genetics Diagnostic Laboratory, Children's Hospital of Eastern Ontario
Classification: Uncertain significance for Breast and/or ovarian cancer. Last evaluated: 2023-05-26. Review status: criteria provided, single submitter. Criteria: ACMG Guidelines, 2015. Collection method: clinical testing. Allele origin: germline.